The following is an entry in ClinVar:

NM_000352.6(ABCC8):c.1169C>A (p.Ala390Glu)

Gene: ABCC8 (ATP binding cassette subfamily C member 8; minus strand). Cytogenetic location: 11p15.1.
Variant type: single nucleotide variant.
Coding change: c.1169C>A on transcript NM_000352.6 (MANE Select); coding-DNA position 1169, C replaced by A.
Protein change: p.Ala390Glu; replaces alanine 390 with glutamic acid.
Molecular consequence: missense variant. On other transcripts: non-coding transcript variant (1).
Genome position (GRCh38, 1-based): chr11:17,453,126, G>T on the plus strand (C>A on the coding strand, the complement: ABCC8 is on the minus strand). VCF-style: chr11-17453126-G-T. GRCh37 (hg19) VCF-style: chr11-17474673-G-T.
Other names: c.1169C>A, p.Ala390Glu (NM_001287174.3, NM_001351295.2); c.1166C>A, p.Ala389Glu (NM_001351296.2, NM_001351297.2); short protein forms A389E, A390E.
Identifiers: ClinVar variation 4818231 (VCV004818231.2).

ClinVar aggregate classification (germline): Likely pathogenic. Review status: criteria provided, multiple submitters, no conflicts (2 of 4 stars). 2 submissions from 2 submitters: Likely pathogenic (2). Last evaluated 2026-06-05.

Conditions:
Familial hyperinsulinism. Also called: Congenital hyperinsulinism. Identifiers: Orphanet 276525, MedGen C3888018, MONDO:0017182. Disease mechanism: loss of function.
Hereditary hyperinsulinism.

Submissions (2):

Women's Health and Genetics/Laboratory Corporation of America, LabCorp
Classification: Likely pathogenic for Familial hyperinsulinism. Last evaluated: 2026-06-05. Review status: criteria provided, single submitter. Criteria: LabCorp Variant Classification Summary - May 2015. Collection method: clinical testing. Allele origin: germline.
Comment: Variant summary: ABCC8 c.1169C>A (p.Ala390Glu) results in a non-conservative amino acid change in the encoded protein sequence. Algorithms developed to predict the effect of missense changes on protein structure and function all suggest that this variant is likely to be disruptive. The variant was absent in 251480 control chromosomes. c.1169C>A has been observed in a homozygous state in at-least two individuals affected with Hyperinsulinism (Kapoor_2013, Proverbio_2013). These data indicate that the variant is likely to be associated with disease. To our knowledge, no experimental evidence demonstrating an impact on protein function has been reported. The following publications have been ascertained in the context of this evaluation (PMID: 23345197, 23869231). ClinVar contains an entry for this variant (Variation ID: 4818231). Based on the evidence outlined above, the variant was classified as likely pathogenic.

Natera, Inc.
Classification: Likely pathogenic for Hereditary hyperinsulinism. Last evaluated: 2025-10-09. Review status: criteria provided, single submitter. Criteria: Natera Variant Classification Schema (03/2026). Collection method: clinical testing. Allele origin: germline.
Comment: The c.1169C>A variant in ABCC8 is a missense variant predicted to cause substitution of alanine to glutamic acid at amino acid 390. This variant is rare in the general population with a frequency below the threshold expected for the associated phenotype(s). This variant has been observed in one or more individuals affected with the associated recessive disease, as either homozygous or compound heterozygous with a second variant (PMID: 23345197). This variant has been identified in one or more affected individual with a phenotype highly consistent with the associated gene (PMID: 23869231). Computational prediction algorithms indicate this variant is likely to affect gene or protein function. Given the available evidence, this variant is classified as Likely Pathogenic.

Literature cited by the submitters: PubMed 23345197 (cited by Women's Health and Genetics/Laboratory Corporation of America, LabCorp and Natera, Inc.); PubMed 23869231 (cited by Women's Health and Genetics/Laboratory Corporation of America, LabCorp and Natera, Inc.).